The following is an entry in ClinVar:

NM_020312.4(COQ9):c.305G>A (p.Arg102His)

Gene: COQ9 (coenzyme Q9; plus strand). Cytogenetic location: 16q21.
Variant type: single nucleotide variant.
Coding change: c.305G>A on transcript NM_020312.4 (MANE Select); coding-DNA position 305, G replaced by A.
Protein change: p.Arg102His; replaces arginine 102 with histidine.
Molecular consequence: missense variant.
Genome position (GRCh38, 1-based): chr16:57,452,863, G>A. VCF-style: chr16-57452863-G-A. GRCh37 (hg19) VCF-style: chr16-57486775-G-A.
Other names: short protein forms R102H.
Identifiers: ClinVar variation 320006 (VCV000320006.7), dbSNP rs748239782, ClinGen allele CA8076147.

ClinVar aggregate classification (germline): Uncertain significance. Review status: criteria provided, multiple submitters, no conflicts (2 of 4 stars). 2 submissions from 2 submitters: Uncertain significance (2). Last evaluated 2022-07-06.

Conditions:
Encephalopathy-hypertrophic cardiomyopathy-renal tubular disease syndrome. Identifiers: Orphanet 319678, MedGen C3553374, MONDO:0013840, OMIM 614654.

Allele frequency attached by ClinVar (database versions not stated): gnomAD 0.00001; gnomAD exomes 0.00001; ExAC 0.00002; TOPMed 0.00003.
gnomAD v4.1: 14 of 1,613,700 alleles (0.00087%); highest among the groups gnomAD compares: Middle Eastern, 0.034%; no homozygotes.

Submissions (2):

Labcorp Genetics (formerly Invitae), Labcorp
Classification: Uncertain significance. Last evaluated: 2022-07-06. Review status: criteria provided, single submitter. Criteria: Invitae Variant Classification Sherloc (09022015). Collection method: clinical testing. Allele origin: germline.
Comment: This sequence change replaces arginine, which is basic and polar, with histidine, which is basic and polar, at codon 102 of the COQ9 protein (p.Arg102His). This variant is present in population databases (rs748239782, gnomAD 0.0009%). This variant has not been reported in the literature in individuals affected with COQ9-related conditions. ClinVar contains an entry for this variant (Variation ID: 320006). Algorithms developed to predict the effect of missense changes on protein structure and function are either unavailable or do not agree on the potential impact of this missense change (SIFT: "Deleterious"; PolyPhen-2: "Benign"; Align-GVGD: "Class C0"). In summary, the available evidence is currently insufficient to determine the role of this variant in disease. Therefore, it has been classified as a Variant of Uncertain Significance.

Illumina Laboratory Services, Illumina
Classification: Uncertain significance for Encephalopathy-hypertrophic cardiomyopathy-renal tubular disease syndrome. Last evaluated: 2018-01-12. Review status: criteria provided, single submitter. Criteria: ICSL Variant Classification Criteria 13 December 2019. Collection method: clinical testing. Allele origin: germline.